The following is an entry in ClinVar:

ClinVar aggregate classification (germline): Uncertain significance (1 of 4 stars; one submission).

Submission:

GeneDx
Classification: Uncertain significance. Last evaluated: 2022-08-17. Review status: criteria provided, single submitter. Criteria: GeneDx Variant Classification Process June 2021. Collection method: clinical testing. Allele origin: germline. Affected: yes.
Comment: Not observed at significant frequency in large population cohorts (gnomAD); In silico analysis supports that this missense variant has a deleterious effect on protein structure/function; Has not been previously published as pathogenic or benign to our knowledge

NM_006734.4(HIVEP2):c.4911G>C (p.Gln1637His)

Gene: HIVEP2 (HIVEP zinc finger 2; minus strand). Cytogenetic location: 6q24.2.
Variant type: single nucleotide variant.
Coding change: c.4911G>C on transcript NM_006734.4 (MANE Select); coding-DNA position 4911, G replaced by C.
Protein change: p.Gln1637His; replaces glutamine 1637 with histidine.
Molecular consequence: missense variant.
Genome position (GRCh38, 1-based): chr6:142,769,828, C>G on the plus strand (G>C on the coding strand, the complement: HIVEP2 is on the minus strand). VCF-style: chr6-142769828-C-G. GRCh37 (hg19) VCF-style: chr6-143090965-C-G.
Other names: short protein forms Q1637H.
Identifiers: ClinVar variation 2430978 (VCV002430978.1), dbSNP rs562352607, ClinGen allele CA365897347.
Genomic context (GRCh38, chr6:142,769,828, plus strand): 5'-GGGTTTTGTATAATTCAAGAAGCACCAACTCACAGTAGTTGTTGTCCGCAGACTGGGGAA[C>G]TGAAGAATCTGCTGGAAATCTGCCATGTCCGTGAGAAGAAGAGTTGAGTCTGCCACGTTC-3'
Protein context (NP_006725.3, residues 1627-1647): TDMADFQQIL[Gln1637His]FPSLRTTTTV